The following is an entry in ClinVar:

ClinVar aggregate classification (germline): Uncertain significance (1 of 4 stars; one submission).

gnomAD v4.1: 8 of 1,612,808 alleles (0.0005%); highest among the groups gnomAD compares: Non-Finnish European, 0.00068%; no homozygotes.

Submission:

Labcorp Genetics (formerly Invitae), Labcorp
Classification: Uncertain significance. Last evaluated: 2025-04-03. Review status: criteria provided, single submitter. Criteria: Invitae Variant Classification Sherloc (09022015). Collection method: clinical testing. Allele origin: germline.
Comment: This sequence change replaces arginine, which is basic and polar, with lysine, which is basic and polar, at codon 103 of the TNNT3 protein (p.Arg103Lys). This variant is not present in population databases (gnomAD no frequency). This variant has not been reported in the literature in individuals affected with TNNT3-related conditions. An algorithm developed to predict the effect of missense changes on protein structure and function (PolyPhen-2) suggests that this variant is likely to be disruptive. In summary, the available evidence is currently insufficient to determine the role of this variant in disease. Therefore, it has been classified as a Variant of Uncertain Significance.

NM_006757.4(TNNT3):c.308G>A (p.Arg103Lys)

Gene: TNNT3 (troponin T3, fast skeletal type; plus strand). Cytogenetic location: 11p15.5.
Variant type: single nucleotide variant.
Coding change: c.308G>A on transcript NM_006757.4 (MANE Select); coding-DNA position 308, G replaced by A.
Protein change: p.Arg103Lys; replaces arginine 103 with lysine.
Molecular consequence: missense variant.
Genome position (GRCh38, 1-based): chr11:1,933,950, G>A. VCF-style: chr11-1933950-G-A. GRCh37 (hg19) VCF-style: chr11-1955180-G-A.
Other names: c.284G>A, p.Arg95Lys (NM_001042780.3, NM_001042782.3, NM_001297646.2 and 2 more transcripts); c.302G>A, p.Arg101Lys (NM_001042781.3, NM_001367842.1, NM_001367843.1); c.317G>A, p.Arg106Lys (NM_001363561.2, NM_001367847.1); c.341G>A, p.Arg114Lys (NM_001367846.1); c.305G>A, p.Arg102Lys (NM_001367848.1); c.296G>A, p.Arg99Lys (NM_001367849.1); c.251G>A, p.Arg84Lys (NM_001367850.1); c.104G>A, p.Arg35Lys (NM_001367851.1, NM_001367852.1); short protein forms R35K, R95K, R99K, R103K, R114K, R84K, R101K, R106K.
Identifiers: ClinVar variation 4701021 (VCV004701021.1).